The following is an entry in ClinVar:

ClinVar aggregate classification (germline): Conflicting classifications of pathogenicity. Review status: criteria provided, conflicting classifications (1 of 4 stars). 9 submissions from 9 submitters: Uncertain significance (1); Benign (1); Likely benign (6). 1 of the submissions does not count toward it. Last evaluated 2026-03-01.

Conditions:
Hereditary cancer-predisposing syndrome. Also called: Neoplastic Syndromes, Hereditary; Hereditary Cancer Syndrome; Tumor predisposition; Hereditary neoplastic syndrome. Identifiers: Orphanet 140162, MedGen C0027672, MeSH D009386, MONDO:0015356.
Familial cancer of breast. Also called: Hereditary breast cancer; BREAST CANCER, FAMILIAL; hereditary breast carcinoma. Identifiers: Orphanet 227535, MedGen C0346153, MONDO:0016419, OMIM 114480. Disease mechanism: loss of function.

Allele frequency attached by ClinVar (database versions not stated): ExAC 0.00001; gnomAD 0.00001; TOPMed 0.00001.
gnomAD v4.1: 3 of 1,612,552 alleles (0.00019%); highest among the groups gnomAD compares: Non-Finnish European, 0.000085%; no homozygotes.

Submissions (9):

CeGaT Center for Human Genetics Tuebingen
Classification: Likely benign. Last evaluated: 2026-03-01. Review status: criteria provided, single submitter. Criteria: CeGaT Center For Human Genetics Tuebingen Variant Classification Criteria Version 2. Collection method: clinical testing. Allele origin: germline. Affected: yes. Observed: 2 variant alleles.
Comment: PALB2: BP4

Women's Health and Genetics/Laboratory Corporation of America, LabCorp
Classification: Likely benign. Last evaluated: 2025-10-22. Review status: criteria provided, single submitter. Criteria: LabCorp Variant Classification Summary - May 2015. Collection method: clinical testing. Allele origin: germline.
Comment: Variant summary: PALB2 c.109-5T>C alters a nucleotide located at a position not widely known to affect splicing. Consensus agreement among computation tools predict no significant impact on normal splicing. However, these predictions have yet to be confirmed by functional studies. The variant was absent in 31394 control chromosomes. The available data on variant occurrences in the general population are insufficient to allow any conclusion about variant significance. c.109-5T>C has been observed in an individual affected with Breast Cancer without clear evidence for causality (Tung_2015). These report(s) do not provide unequivocal conclusions about association of the variant with Hereditary Breast And Ovarian Cancer Syndrome. To our knowledge, no experimental evidence demonstrating an impact on protein function has been reported. The following publication have been ascertained in the context of this evaluation (PMID: 25186627). ClinVar contains an entry for this variant (Variation ID: 530241). Based on the evidence outlined above, the variant was classified as likely benign.

Labcorp Genetics (formerly Invitae), Labcorp
Classification: Likely benign for Familial cancer of breast. Last evaluated: 2025-08-05. Review status: criteria provided, single submitter. Criteria: Invitae Variant Classification Sherloc (09022015). Collection method: clinical testing. Allele origin: germline.

Myriad Genetics, Inc.
Classification: Likely benign for Familial cancer of breast. Last evaluated: 2025-01-09. Review status: criteria provided, single submitter. Criteria: Myriad Autosomal Dominant, Autosomal Recessive and X-Linked Classification Criteria (2023). Collection method: clinical testing. Allele origin: unknown.
Comment: This variant is considered likely benign. This variant is intronic and is not expected to impact mRNA splicing.

Ambry Genetics
Classification: Likely benign for Hereditary cancer-predisposing syndrome. Last evaluated: 2022-07-22. Review status: criteria provided, single submitter. Criteria: Ambry Variant Classification Scheme 2023. Collection method: clinical testing. Allele origin: germline.

Color Diagnostics, LLC DBA Color Health
Classification: Likely benign for Hereditary cancer-predisposing syndrome. Last evaluated: 2022-05-09. Review status: criteria provided, single submitter. Criteria: ACMG Guidelines, 2015. Collection method: clinical testing. Allele origin: germline.

Sema4
Classification: Uncertain significance for Hereditary cancer-predisposing syndrome. Last evaluated: 2021-11-01. Review status: criteria provided, single submitter. Criteria: Sema4 Curation Guidelines. Collection method: curation. Allele origin: germline.
Comment: The PALB2 c.109-5T>C variant has been reported in heterozygosity in an individual with early-onset breast cancer that also had a CHEK2 frameshift mutation (PMID: 25186627). It was not observed in the large and broad cohorts of the Genome Aggregation Database. The variant has been reported in ClinVar (Variation ID 530241). In silico tools suggest that the variant may not impact splicing, though these predictions have not been confirmed by functional studies. The evidence is insufficient to meet ACMG/AMP criteria for classifying the variant as benign or pathogenic. Thus, the clinical significance of this variant is currently uncertain.

GeneDx
Classification: Benign. Last evaluated: 2015-03-03. Review status: criteria provided, single submitter. Criteria: GeneDx Variant Classification Process June 2021. Collection method: clinical testing. Allele origin: germline. Affected: yes.

Leiden Open Variation Database
Classification: Likely benign for Familial cancer of breast. Last evaluated: 2019-05-13. Review status: no assertion criteria provided. Collection method: curation. Allele origin: germline. Affected: yes. Not counted in ClinVar's aggregate classification.
Comment: Curators: Marc Tischkowitz, Arleen D. Auerbach. Submitter to LOVD: Marc Tischkowitz.

Literature cited by the submitters: PubMed 25186627 (cited by 4 submitters).

NM_024675.4(PALB2):c.109-5T>C

Gene: PALB2 (partner and localizer of BRCA2; minus strand). Cytogenetic location: 16p12.2.
Variant type: single nucleotide variant.
Coding change: c.109-5T>C on transcript NM_024675.4 (MANE Select); 5 bases into the intron before coding-DNA position 109, T replaced by C.
Molecular consequence: intron variant.
Genome position (GRCh38, 1-based): chr16:23,637,957, A>G on the plus strand (T>C on the coding strand, the complement: PALB2 is on the minus strand). VCF-style: chr16-23637957-A-G. GRCh37 (hg19) VCF-style: chr16-23649278-A-G.
Identifiers: ClinVar variation 530241 (VCV000530241.34), dbSNP rs749299119, ClinGen allele CA7963841.
Genomic context (GRCh38, chr16:23,637,957, plus strand): 5'-TGTTCTTCTACTGTTTTCTTAATAGAATGCTTAATCTTTTCAGCTCTTTGGGCACGCTAG[A>G]GGAGACAAAAACAGCCCCAGAAATACGTTTTCTTTAAAGTTTTATAGAGTCAAGAACTGT-3'